The following is an entry in ClinVar:

ClinVar aggregate classification (germline): Pathogenic/Likely pathogenic. Review status: criteria provided, multiple submitters, no conflicts (2 of 4 stars). 7 submissions from 6 submitters: Pathogenic (3); Likely pathogenic (1). 3 of the submissions do not count toward it. Last evaluated 2024-03-13.

Conditions:
Congenital myasthenic syndrome 16. Identifiers: Orphanet 590, MedGen C3280112, MONDO:0013620, OMIM 614198.
Hyperkalemic periodic paralysis. Also called: Gamstorp disease; Familial hyperkalemic periodic paralysis. Identifiers: Orphanet 682, MedGen C0238357, MONDO:0008224, OMIM 170500, HP:0007215.
Paramyotonia congenita of Von Eulenburg. Also called: Eulenburg disease; Myotonia congenita intermittens; Von Eulenburg paramyotonia congenita; Paramyotonia Congenita; PARALYSIS PERIODICA PARAMYOTONICA. Identifiers: Orphanet 684, MedGen C0221055, MONDO:0008195, OMIM 168300. Disease mechanism: loss of function.
Potassium-aggravated myotonia. Also called: MYOTONIA CONGENITA, ACETAZOLAMIDE-RESPONSIVE; MYOTONIA CONGENITA, ATYPICAL; Myotonia congenita, atypical, acetazolamide-responsive; SODIUM CHANNEL MUSCLE DISEASE. Identifiers: Orphanet 612, Orphanet 99734, Orphanet 99735, Orphanet 99736, MedGen C2931826, MONDO:0018959, OMIM 608390.
Congenital myopathy 22A, classic (CMYO22A). Identifiers: MedGen C5830453, MONDO:0957247, OMIM 620351.
Congenital myopathy 22B, severe fetal (CMYO22B). Identifiers: MedGen C5830501, MONDO:0957265, OMIM 620369.
Hypokalemic periodic paralysis, type 2 (HOKPP2). Identifiers: Orphanet 681, MedGen C2750061, MONDO:0013234, OMIM 613345.

Allele frequency attached by ClinVar (database versions not stated): ExAC 0.00001; gnomAD exomes 0.00001.
gnomAD v4.1: 3 of 1,613,208 alleles (0.00019%); no homozygotes.

Submissions (7):

Fulgent Genetics
Classification: Pathogenic for Paramyotonia congenita of Von Eulenburg; Hyperkalemic periodic paralysis; Potassium-aggravated myotonia; Hypokalemic periodic paralysis, type 2; Congenital myasthenic syndrome 16; Congenital myopathy 22A, classic; Congenital myopathy 22B, severe fetal. Last evaluated: 2024-03-13. Review status: criteria provided, single submitter. Criteria: ACMG Guidelines, 2015. Collection method: clinical testing. Allele origin: germline.

Athena Diagnostics
Classification: Pathogenic. Last evaluated: 2023-03-21. Review status: criteria provided, single submitter. Criteria: Athena Diagnostics Criteria. Collection method: clinical testing. Allele origin: unknown.
Comment: The frequency of this variant in the general population is consistent with pathogenicity. This variant appears to occur de novo in multiple individuals with clinical features of hypokalemic periodic paralysis. Assessment of experimental evidence suggests this variant results in abnormal protein function. (PMID: 11102465, 11912116, 21881211, 25024265) The variant is located in a region that is considered important for protein function and/or structure.

Labcorp Genetics (formerly Invitae), Labcorp
Classification: Pathogenic for Hyperkalemic periodic paralysis. Last evaluated: 2021-12-17. Review status: criteria provided, single submitter. Criteria: Invitae Variant Classification Sherloc (09022015). Collection method: clinical testing. Allele origin: germline.
Comment: This sequence change replaces arginine, which is basic and polar, with histidine, which is basic and polar, at codon 669 of the SCN4A protein (p.Arg669His). For these reasons, this variant has been classified as Pathogenic. Experimental studies have shown that this missense change affects SCN4A function (PMID: 11102465, 11912116, 21881211, 25024265). Algorithms developed to predict the effect of missense changes on protein structure and function (SIFT, PolyPhen-2, Align-GVGD) all suggest that this variant is likely to be disruptive. ClinVar contains an entry for this variant (Variation ID: 5911). This missense change has been observed in individual(s) with hypokalemic periodic paralysis (PMID: 10599760, 18162704, 21841462). In at least one individual the variant was observed to be de novo. It has also been observed to segregate with disease in related individuals. This variant is present in population databases (rs80338784, gnomAD 0.009%).

Juno Genomics, Hangzhou Juno Genomics, Inc
Classification: Likely pathogenic for Hypokalemic periodic paralysis, type 2. Review status: criteria provided, single submitter. Criteria: ACMG Guidelines, 2015. Collection method: clinical testing. Allele origin: germline.
Comment: Absent from controls (or at extremely low frequency if recessive) in Genome Aggregation Database.;Well-established in vitro or in vivo functional studies supportive of a damaging effect on the gene or gene product.;The prevalence of the variant in affected individuals is significantly increased compared to the prevalence in controls.;Patient's phenotype or family history is highly specific for a disease with a single genetic etiology.

OMIM
Classification: Pathogenic for HYPOKALEMIC PERIODIC PARALYSIS, TYPE 2. Last evaluated: 2002-04-01. Review status: no assertion criteria provided. Collection method: literature only. Allele origin: germline. Not counted in ClinVar's aggregate classification.

GeneReviews
No classification provided. Condition: Hypokalemic periodic paralysis, type 2. Review status: no classification provided. Collection method: literature only. Allele origin: germline. Not counted in ClinVar's aggregate classification.

GeneReviews
No classification provided. Condition: Hyperkalemic periodic paralysis. Review status: no classification provided. Collection method: literature only. Allele origin: germline. Affected: yes. Not counted in ClinVar's aggregate classification.

Literature cited by the submitters: PubMed 34290819 (cited by Athena Diagnostics); PubMed 25024265 (cited by Athena Diagnostics and Labcorp Genetics (formerly Invitae), Labcorp); PubMed 21841462 (cited by Athena Diagnostics and Labcorp Genetics (formerly Invitae), Labcorp); PubMed 34608571 (cited by Athena Diagnostics); PubMed 32849172 (cited by Athena Diagnostics); PubMed 35759432 (cited by Athena Diagnostics); PubMed 21881211 (cited by Athena Diagnostics and Labcorp Genetics (formerly Invitae), Labcorp); PubMed 11912116 (cited by 3 submitters); PubMed 11102465 (cited by Athena Diagnostics and Labcorp Genetics (formerly Invitae), Labcorp); PubMed 10599760 (cited by 4 submitters); PubMed 18162704 (cited by Athena Diagnostics and Labcorp Genetics (formerly Invitae), Labcorp); NCBI Bookshelf NBK1496 (cited by GeneReviews).

NM_000334.4(SCN4A):c.2006G>A (p.Arg669His)

Gene: SCN4A (sodium voltage-gated channel alpha subunit 4; minus strand). Cytogenetic location: 17q23.3.
Variant type: single nucleotide variant.
Coding change: c.2006G>A on transcript NM_000334.4 (MANE Select); coding-DNA position 2006, G replaced by A.
Protein change: p.Arg669His; replaces arginine 669 with histidine.
Molecular consequence: missense variant.
Genome position (GRCh38, 1-based): chr17:63,959,278, C>T on the plus strand (G>A on the coding strand, the complement: SCN4A is on the minus strand). VCF-style: chr17-63959278-C-T. GRCh37 (hg19) VCF-style: chr17-62036638-C-T.
Other names: short protein forms R669H.
Identifiers: ClinVar variation 5911 (VCV000005911.19), dbSNP rs80338784, ClinGen allele CA253651.